The following is an entry in ClinVar:

ClinVar aggregate classification (germline): Uncertain significance. Review status: criteria provided, multiple submitters, no conflicts (2 of 4 stars). 2 submissions from 2 submitters: Uncertain significance (2). Last evaluated 2023-02-24.

Conditions:
Hypertrophic cardiomyopathy. Also called: HYPERTROPHIC MYOCARDIOPATHY. Identifiers: Orphanet 217569, MedGen C0007194, MeSH D002312, MONDO:0005045, HP:0001639.

Submissions (2):

All of Us Research Program, National Institutes of Health
Classification: Uncertain significance for Hypertrophic cardiomyopathy. Last evaluated: 2023-02-24. Review status: criteria provided, single submitter. Criteria: ACMG Guidelines, 2015. Collection method: clinical testing. Allele origin: germline. Inheritance: Autosomal dominant inheritance. Observed: 1 variant allele, 1 heterozygote.
Comment: This variant causes an A to G nucleotide substitution at the +4 position of intron 20 of the MYBPC3 gene. To our knowledge, functional studies have not been reported for this variant. This variant has not been reported in individuals affected with MYBPC3-related disorders in the literature. This variant has not been identified in the general population by the Genome Aggregation Database (gnomAD). The available evidence is insufficient to determine the role of this variant in disease conclusively. Therefore, this variant is classified as a Variant of Uncertain Significance.

This study involves interpretation of variants in research participants for the purpose of population health screening. Participant phenotype was not available at the time of variant classification. Additional details can be found in publication PMID: 35346344, PMCID: PMC8962531

Labcorp Genetics (formerly Invitae), Labcorp
Classification: Uncertain significance for Hypertrophic cardiomyopathy. Last evaluated: 2023-01-21. Review status: criteria provided, single submitter. Criteria: Invitae Variant Classification Sherloc (09022015). Collection method: clinical testing. Allele origin: germline.
Comment: This variant has not been reported in the literature in individuals affected with MYBPC3-related conditions. This variant is not present in population databases (gnomAD no frequency). This sequence change falls in intron 20 of the MYBPC3 gene. It does not directly change the encoded amino acid sequence of the MYBPC3 protein. It affects a nucleotide within the consensus splice site. Variants that disrupt the consensus splice site are a relatively common cause of aberrant splicing (PMID: 17576681, 9536098). Algorithms developed to predict the effect of sequence changes on RNA splicing suggest that this variant is not likely to affect RNA splicing. In summary, the available evidence is currently insufficient to determine the role of this variant in disease. Therefore, it has been classified as a Variant of Uncertain Significance.

Literature cited by the submitters: PubMed 17576681 (cited by Labcorp Genetics (formerly Invitae), Labcorp); PubMed 9536098 (cited by Labcorp Genetics (formerly Invitae), Labcorp).

NM_000256.3(MYBPC3):c.1927+4A>G

Gene: MYBPC3 (myosin binding protein C3; minus strand). Cytogenetic location: 11p11.2.
Variant type: single nucleotide variant.
Coding change: c.1927+4A>G on transcript NM_000256.3 (MANE Select); 4 bases into the intron after coding-DNA position 1927, A replaced by G.
Molecular consequence: intron variant.
Genome position (GRCh38, 1-based): chr11:47,340,999, T>C on the plus strand (A>G on the coding strand, the complement: MYBPC3 is on the minus strand). VCF-style: chr11-47340999-T-C. GRCh37 (hg19) VCF-style: chr11-47362550-T-C.
Identifiers: ClinVar variation 2794499 (VCV002794499.4), dbSNP rs2495759113, ClinGen allele CA2580611094.